The following is an entry in ClinVar:

NM_001322934.2(NFKB2):c.2564del (p.Lys855fs)

Gene: NFKB2 (nuclear factor kappa B subunit 2; plus strand). Cytogenetic location: 10q24.32.
Variant type: Deletion.
Coding change: c.2564del on transcript NM_001322934.2 (MANE Select); coding-DNA position 2564, one base deleted (A; older notation c.2564delA).
Protein change: p.Lys855fs; shifts the reading frame from lysine 855.
Molecular consequence: frameshift variant.
Genome position (GRCh38, 1-based): chr10:102,402,145, A deleted; the last of 2 consecutive A bases (chr10:102,402,144-102,402,145); deleting either gives the same sequence. VCF-style (leftmost placement, unchanged base first): chr10-102402143-CA-C. GRCh37 (hg19) VCF-style: chr10-104161900-CA-C.
Other names: c.2564del, p.Lys855fs (NM_001077494.3, NM_001261403.3, NM_001288724.1 and 2 more transcripts); c.2438del, p.Lys813fs (NM_001322935.1); short protein forms K813fs, K855fs.
Identifiers: ClinVar variation 65386 (VCV000065386.9), dbSNP rs397514331, ClinGen allele CA144757.
Genomic context (GRCh38, chr10:102,402,143, plus strand): 5'-CCTGTCTGACATGGGCCTAGAGGAGGGAGTGAGGCTGCTGAGGGGTCCAGAAACCCGAGA[CA>C]AGCTGCCCAGCACAGGTAAAGGGGCCTCCCTGGAAGGTGGATCTGGACCTGGAGGGCCGG-3'

ClinVar aggregate classification (germline): Pathogenic. Review status: no assertion criteria provided (0 of 4 stars). 2 submissions from 2 submitters: Pathogenic (2). Last evaluated 2013-11-07.

Conditions:
Immunodeficiency, common variable, 10. Also called: DEFICIT IN ANTERIOR PITUITARY FUNCTION AND VARIABLE IMMUNODEFICIENCY; IMMUNODEFICIENCY, COMMON VARIABLE, WITH CENTRAL ADRENAL INSUFFICIENCY. Identifiers: MedGen C3809991, MONDO:0014260, OMIM 615577.
Immunodeficiency, common variable, 1. Also called: ANTIBODY DEFICIENCY DUE TO ICOS DEFECT. Identifiers: Orphanet 1572, Orphanet 695183, MedGen C3149378, MONDO:0011864, OMIM 607594.

Submissions (2):

OMIM
Classification: Pathogenic for IMMUNODEFICIENCY, COMMON VARIABLE, 10. Last evaluated: 2013-11-07. Review status: no assertion criteria provided. Collection method: literature only. Allele origin: germline.

ARUP Laboratories, Molecular Genetics and Genomics, ARUP Laboratories
Classification: Pathogenic for Immunodeficiency, common variable, 1. Review status: no assertion criteria provided. Collection method: not provided. Allele origin: germline.
ClinVar note: Converted during submission from pathogenic to Pathogenic.

Literature cited by the submitters: PubMed 24140114 (cited by OMIM).